The following is an entry in ClinVar:

ClinVar aggregate classification (germline): Uncertain significance (1 of 4 stars; one submission).

Conditions:
GM1 gangliosidosis. Identifiers: Orphanet 354, MedGen C0085131, MONDO:0018149.
Mucopolysaccharidosis, MPS-IV-B (MPS4B). Also called: Mucopolysaccharidosis type IV B; Mucopolysaccharidosis type 4B; MORQUIO SYNDROME B; Mucopolysaccharidosis type IVB (Morquio); MPS IVB; Mucopolysaccharidosis Type IVB. Identifiers: Orphanet 309310, Orphanet 582, MedGen C0086652, MONDO:0009660, OMIM 253010.

gnomAD v4.1: 1 of 1,614,180 alleles (0.000062%); highest among the groups gnomAD compares: Non-Finnish European, 0.000085%; no homozygotes.

Submission:

Labcorp Genetics (formerly Invitae), Labcorp
Classification: Uncertain significance for Mucopolysaccharidosis, MPS-IV-B; GM1 gangliosidosis. Last evaluated: 2021-08-27. Review status: criteria provided, single submitter. Criteria: Invitae Variant Classification Sherloc (09022015). Collection method: clinical testing. Allele origin: germline.
Comment: This sequence change replaces leucine with isoleucine at codon 506 of the GLB1 protein (p.Leu506Ile). The leucine residue is highly conserved and there is a small physicochemical difference between leucine and isoleucine. This variant is not present in population databases (ExAC no frequency). This variant has not been reported in the literature in individuals affected with GLB1-related conditions. Advanced modeling of protein sequence and biophysical properties (such as structural, functional, and spatial information, amino acid conservation, physicochemical variation, residue mobility, and thermodynamic stability) performed at Invitae indicates that this missense variant is expected to disrupt GLB1 protein function. In summary, the available evidence is currently insufficient to determine the role of this variant in disease. Therefore, it has been classified as a Variant of Uncertain Significance.

NM_000404.4(GLB1):c.1516C>A (p.Leu506Ile)

Gene: GLB1 (galactosidase beta 1; minus strand). Cytogenetic location: 3p22.3.
Variant type: single nucleotide variant.
Coding change: c.1516C>A on transcript NM_000404.4 (MANE Select); coding-DNA position 1516, C replaced by A.
Protein change: p.Leu506Ile; replaces leucine 506 with isoleucine.
Molecular consequence: missense variant.
Genome position (GRCh38, 1-based): chr3:33,014,274, G>T on the plus strand (C>A on the coding strand, the complement: GLB1 is on the minus strand). VCF-style: chr3-33014274-G-T. GRCh37 (hg19) VCF-style: chr3-33055766-G-T.
Other names: c.1426C>A, p.Leu476Ile (NM_001079811.3); c.1123C>A, p.Leu375Ile (NM_001135602.3); c.1660C>A, p.Leu554Ile (NM_001317040.2); c.1516C>A, p.Leu506Ile (NM_001393580.1); short protein forms L476I, L506I, L375I, L554I.
Identifiers: ClinVar variation 1959278 (VCV001959278.2), dbSNP rs1199366375, ClinGen allele CA351986669.
Genomic context (GRCh38, chr3:33,014,274, plus strand): 5'-CCCCCAGGTGGCTGCACACTGCATCCTCAGTGTCCAGTGGAAAGATCGTCCAGTCCGTGA[G>T]GATATTGGAACTGAGAGTCAGGTTAGAAACCAAACCCTGCAAAGCAGAAACAGAGCACAG-3'
Protein context (NP_000395.3, residues 496-516): VSNLTLSSNI[Leu506Ile]TDWTIFPLDT